The following is an entry in ClinVar:

NM_183050.4(BCKDHB):c.100G>A (p.Gly34Ser)

Gene: BCKDHB (branched chain keto acid dehydrogenase E1 subunit beta; plus strand). Cytogenetic location: 6q14.1.
Variant type: single nucleotide variant.
Coding change: c.100G>A on transcript NM_183050.4 (MANE Select); coding-DNA position 100, G replaced by A.
Protein change: p.Gly34Ser; replaces glycine 34 with serine.
Molecular consequence: missense variant. On other transcripts: non-coding transcript variant (1), intron variant (1).
Genome position (GRCh38, 1-based): chr6:80,106,793, G>A. VCF-style: chr6-80106793-G-A. GRCh37 (hg19) VCF-style: chr6-80816510-G-A.
Other names: c.100G>A, p.Gly34Ser (NM_000056.5); c.-15+110G>A (NM_001318975.1); c.100G>A (NM_183050.2); short protein forms G34S.
Identifiers: ClinVar variation 2194197 (VCV002194197.2), dbSNP rs1216504411, ClinGen allele CA364658190.

ClinVar aggregate classification (germline): Uncertain significance. Review status: criteria provided, multiple submitters, no conflicts (2 of 4 stars). 2 submissions from 2 submitters: Uncertain significance (2). Last evaluated 2023-12-22.

Conditions:
Inborn genetic diseases. Identifiers: MedGen C0950123, MeSH D030342.
Maple syrup urine disease (MSUD). Identifiers: Orphanet 511, MedGen C0024776, MeSH D008375, MONDO:0009563. Disease mechanism: loss of function.

Allele frequency attached by ClinVar (database versions not stated): gnomAD exomes 0.00001; gnomAD 0.00005; TOPMed 0.00013; 1000 Genomes Project 30x 0.00031.
gnomAD v4.1: 14 of 1,601,514 alleles (0.00087%); highest among the groups gnomAD compares: Admixed American, 0.019%; no homozygotes.

Submissions (2):

Ambry Genetics
Classification: Uncertain significance for Inborn genetic diseases. Last evaluated: 2023-12-22. Review status: criteria provided, single submitter. Criteria: Ambry Variant Classification Scheme 2023. Collection method: clinical testing. Allele origin: germline.

Labcorp Genetics (formerly Invitae), Labcorp
Classification: Uncertain significance for Maple syrup urine disease. Last evaluated: 2022-08-23. Review status: criteria provided, single submitter. Criteria: Invitae Variant Classification Sherloc (09022015). Collection method: clinical testing. Allele origin: germline.
Comment: This sequence change replaces glycine, which is neutral and non-polar, with serine, which is neutral and polar, at codon 34 of the BCKDHB protein (p.Gly34Ser). This variant is present in population databases (no rsID available, gnomAD 0.003%). This variant has not been reported in the literature in individuals affected with BCKDHB-related conditions. Algorithms developed to predict the effect of missense changes on protein structure and function are either unavailable or do not agree on the potential impact of this missense change (SIFT: "Deleterious"; PolyPhen-2: "Benign"; Align-GVGD: "Class C0"). In summary, the available evidence is currently insufficient to determine the role of this variant in disease. Therefore, it has been classified as a Variant of Uncertain Significance.